The following is an entry in ClinVar:

NM_177438.3(DICER1):c.4897G>A (p.Val1633Ile)

Gene: DICER1 (dicer 1, ribonuclease III; minus strand). Cytogenetic location: 14q32.13.
Variant type: single nucleotide variant.
Coding change: c.4897G>A on transcript NM_177438.3 (MANE Select); coding-DNA position 4897, G replaced by A.
Protein change: p.Val1633Ile; replaces valine 1633 with isoleucine.
Molecular consequence: missense variant.
Genome position (GRCh38, 1-based): chr14:95,096,023, C>T on the plus strand (G>A on the coding strand, the complement: DICER1 is on the minus strand). VCF-style: chr14-95096023-C-T. GRCh37 (hg19) VCF-style: chr14-95562360-C-T.
Other names: c.4897G>A, p.Val1633Ile (NM_001195573.1, NM_001271282.3, NM_001291628.2 and 1 more transcripts); short protein forms V1633I.
Identifiers: ClinVar variation 412150 (VCV000412150.13), dbSNP rs1060503643, ClinGen allele CA16614287.

ClinVar aggregate classification (germline): Uncertain significance. Review status: criteria provided, multiple submitters, no conflicts (2 of 4 stars). 2 submissions from 2 submitters: Uncertain significance (2). Last evaluated 2024-05-13.

Conditions:
DICER1-related tumor predisposition. Also called: DICER1-related pleuropulmonary blastoma cancer predisposition syndrome; DICER1 syndrome. Identifiers: Orphanet 284343, MedGen C3839822, MONDO:0100216.
Hereditary cancer-predisposing syndrome. Also called: Hereditary neoplastic syndrome; Neoplastic Syndromes, Hereditary; Tumor predisposition; Hereditary Cancer Syndrome. Identifiers: Orphanet 140162, MedGen C0027672, MeSH D009386, MONDO:0015356.

Submissions (2):

Labcorp Genetics (formerly Invitae), Labcorp
Classification: Uncertain significance for DICER1-related tumor predisposition. Last evaluated: 2024-05-13. Review status: criteria provided, single submitter. Criteria: Invitae Variant Classification Sherloc (09022015). Collection method: clinical testing. Allele origin: germline.
Comment: This sequence change replaces valine, which is neutral and non-polar, with isoleucine, which is neutral and non-polar, at codon 1633 of the DICER1 protein (p.Val1633Ile). This variant is not present in population databases (gnomAD no frequency). This variant has not been reported in the literature in individuals affected with DICER1-related conditions. ClinVar contains an entry for this variant (Variation ID: 412150). An algorithm developed to predict the effect of missense changes on protein structure and function (PolyPhen-2) suggests that this variant is likely to be tolerated. In summary, the available evidence is currently insufficient to determine the role of this variant in disease. Therefore, it has been classified as a Variant of Uncertain Significance.

Ambry Genetics
Classification: Uncertain significance for Hereditary cancer-predisposing syndrome. Last evaluated: 2022-04-29. Review status: criteria provided, single submitter. Criteria: Ambry Variant Classification Scheme 2023. Collection method: clinical testing. Allele origin: germline.
Comment: The p.V1633I variant (also known as c.4897G>A), located in coding exon 22 of the DICER1 gene, results from a G to A substitution at nucleotide position 4897. The valine at codon 1633 is replaced by isoleucine, an amino acid with highly similar properties. This amino acid position is conserved. In addition, this alteration is predicted to be tolerated by in silico analysis. Since supporting evidence is limited at this time, the clinical significance of this alteration remains unclear.